The following is an entry in ClinVar:

ClinVar aggregate classification (germline): Pathogenic/Likely pathogenic. Review status: criteria provided, multiple submitters, no conflicts (2 of 4 stars). 6 submissions from 6 submitters: Pathogenic (2); Likely pathogenic (4). Last evaluated 2026-05-26.

Conditions:
Rare genetic deafness. Identifiers: Orphanet 96210, MedGen C5680250.
Autosomal recessive nonsyndromic hearing loss 16. Also called: DFNB16 Nonsyndromic Hearing Loss and Deafness; DEAFNESS, AUTOSOMAL RECESSIVE 16. Identifiers: Orphanet 90636, MedGen C1863561, MONDO:0011364, OMIM 603720.
Deafness-infertility syndrome. Also called: Deafness and male infertility. Identifiers: Orphanet 94064, MedGen C1970187, MONDO:0012621, OMIM 611102.
Spermatogenic failure 7. Also called: MALE INFERTILITY, NONSYNDROMIC, AUTOSOMAL RECESSIVE. Identifiers: Orphanet 276234, MedGen C2751811, MONDO:0013070, OMIM 612997.
STRC-related disorder. Also called: STRC-related condition.

Allele frequency attached by ClinVar (database versions not stated): ExAC 0.00003; TOPMed 0.00003; gnomAD exomes 0.00004 and 0.00005; gnomAD 0.00005 and 0.00006.
gnomAD v4.1: 71 of 1,609,000 alleles (0.0044%); highest among the groups gnomAD compares: Admixed American, 0.005%; no homozygotes.

Submissions (6):

PreventionGenetics, part of Exact Sciences
Classification: Likely pathogenic for STRC-related condition. Last evaluated: 2026-05-26. Review status: criteria provided, single submitter. Criteria: ACMG Guidelines, 2015. Collection method: clinical testing. Allele origin: germline.
Comment: The STRC c.4219-1G>A variant is predicted to disrupt the AG splice acceptor site and interfere with normal splicing. To our knowledge, this variant has not been reported in the literature. This variant is reported in 0.017% of alleles in individuals of European (Finnish) descent in gnomAD. Variants that disrupt the consensus splice acceptor site in STRC are expected to be pathogenic. This variant is interpreted as likely pathogenic.

Blueprint Genetics
Classification: Pathogenic for STRC-related disorders. Last evaluated: 2023-10-10. Review status: criteria provided, single submitter. Criteria: ACMG Guidelines, 2015. Collection method: clinical testing. Allele origin: germline. Affected: yes. Observed: 5 variant alleles.

Mayo Clinic Laboratories, Mayo Clinic
Classification: Likely pathogenic. Last evaluated: 2022-05-31. Review status: criteria provided, single submitter. Criteria: ACMG Guidelines, 2015. Collection method: clinical testing. Allele origin: germline. Observed: 1 variant allele.
Comment: PM2, PVS1

Laboratory for Molecular Medicine, Mass General Brigham Personalized Medicine
Classification: Pathogenic for Rare genetic deafness. Last evaluated: 2020-03-16. Review status: criteria provided, single submitter. Criteria: ACMG Guidelines, 2015. Collection method: clinical testing. Allele origin: germline. Inheritance: Autosomal recessive inheritance.
Comment: This variant has been identified in 0.01% (4/24064) of Finnish chromosomes by gnomAD. This variant occurs within the canonical splice site (+/- 1,2) and is predicted to cause altered splicing leading to an abnormal or absent protein. Loss of function of the STRC gene is an established disease mechanism in autosomal recessive sensorineural hearing loss. In summary, this variant meets criteria to be classified as pathogenic for autosomal recessive sensorineural hearing loss. ACMG/AMP Criteria applied: ACMG/AMP criteria applied: PVS1, PM2_Supporting, PM3_Supporting.

Fulgent Genetics
Classification: Likely pathogenic for Autosomal recessive nonsyndromic hearing loss 16; Deafness-infertility syndrome; Spermatogenic failure 7. Last evaluated: 2018-10-31. Review status: criteria provided, single submitter. Criteria: ACMG Guidelines, 2015. Collection method: clinical testing. Allele origin: unknown.

Genome-Nilou Lab
Classification: Likely pathogenic for Autosomal recessive nonsyndromic hearing loss 16. Review status: criteria provided, single submitter. Criteria: ACMG Guidelines, 2015. Collection method: clinical testing. Allele origin: germline.

NM_153700.2(STRC):c.4219-1G>A

Gene: STRC (stereocilin; minus strand). Cytogenetic location: 15q15.3.
Variant type: single nucleotide variant.
Coding change: c.4219-1G>A on transcript NM_153700.2 (MANE Select); the canonical splice acceptor site of the intron before coding-DNA position 4219, G replaced by A.
Molecular consequence: splice acceptor variant.
Genome position (GRCh38, 1-based): chr15:43,604,153, C>T on the plus strand (G>A on the coding strand, the complement: STRC is on the minus strand). VCF-style: chr15-43604153-C-T. GRCh37 (hg19) VCF-style: chr15-43896351-C-T.
Other names: p.?.
Identifiers: ClinVar variation 505435 (VCV000505435.13), dbSNP rs748854592, ClinGen allele CA7528101.